The following is an entry in ClinVar:

NM_144991.3(TSPEAR):c.91C>T (p.Pro31Ser)

Gene: TSPEAR (thrombospondin type laminin G domain and EAR repeats; minus strand). Cytogenetic location: 21q22.3.
Variant type: single nucleotide variant.
Coding change: c.91C>T on transcript NM_144991.3 (MANE Select); coding-DNA position 91, C replaced by T.
Protein change: p.Pro31Ser; replaces proline 31 with serine.
Molecular consequence: missense variant. On other transcripts: 5 prime UTR variant (1).
Genome position (GRCh38, 1-based): chr21:44,567,997, G>A on the plus strand (C>T on the coding strand, the complement: TSPEAR is on the minus strand). VCF-style: chr21-44567997-G-A. GRCh37 (hg19) VCF-style: chr21-45987881-G-A.
Other names: c.-114C>T (NM_001272037.2); short protein forms P31S.
Identifiers: ClinVar variation 4795516 (VCV004795516.1).

ClinVar aggregate classification (germline): Uncertain significance (1 of 4 stars; one submission).

gnomAD v4.1: 1 of 1,529,140 alleles (0.000065%); highest among the groups gnomAD compares: Non-Finnish European, 0.000088%; no homozygotes.

Submission:

GeneDx
Classification: Uncertain significance. Last evaluated: 2025-08-10. Review status: criteria provided, single submitter. Criteria: GeneDx Variant Classification Process June 2021. Collection method: clinical testing. Allele origin: germline. Affected: yes.
Comment: Not observed at significant frequency in large population cohorts (gnomAD); In silico analysis supports that this missense variant has a deleterious effect on protein structure/function; Has not been previously published as pathogenic or benign to our knowledge